The following is an entry in ClinVar:

NM_030665.4(RAI1):c.2468G>C (p.Gly823Ala)

Gene: RAI1 (retinoic acid induced 1; plus strand). Cytogenetic location: 17p11.2.
Variant type: single nucleotide variant.
Coding change: c.2468G>C on transcript NM_030665.4 (MANE Select); coding-DNA position 2468, G replaced by C.
Protein change: p.Gly823Ala; replaces glycine 823 with alanine.
Molecular consequence: missense variant.
Genome position (GRCh38, 1-based): chr17:17,795,416, G>C. VCF-style: chr17-17795416-G-C. GRCh37 (hg19) VCF-style: chr17-17698730-G-C.
Other names: short protein forms G823A.
Identifiers: ClinVar variation 2762785 (VCV002762785.3), dbSNP rs754280704, ClinGen allele CA398551058.
Genomic context (GRCh38, chr17:17,795,416, plus strand): 5'-TGGCCTCGTTGCCCGGGGACTTCAAGCAGGAGGAGGTGGGTGGGGTGAAGGAGGAGGCAG[G>C]TGGGCTGCTGCAGTGCCCCGAGGTGGCCAAGGCTGACCGGTGGCTGGAGGACAGCCGGCA-3'
Protein context (NP_109590.3, residues 813-833): EEVGGVKEEA[Gly823Ala]GLLQCPEVAK

ClinVar aggregate classification (germline): Uncertain significance (1 of 4 stars; one submission).

Submission:

Labcorp Genetics (formerly Invitae), Labcorp
Classification: Uncertain significance. Last evaluated: 2023-09-22. Review status: criteria provided, single submitter. Criteria: Invitae Variant Classification Sherloc (09022015). Collection method: clinical testing. Allele origin: germline.
Comment: In summary, the available evidence is currently insufficient to determine the role of this variant in disease. Therefore, it has been classified as a Variant of Uncertain Significance. Advanced modeling of protein sequence and biophysical properties (such as structural, functional, and spatial information, amino acid conservation, physicochemical variation, residue mobility, and thermodynamic stability) performed at Invitae indicates that this missense variant is not expected to disrupt RAI1 protein function. This variant has not been reported in the literature in individuals affected with RAI1-related conditions. This variant is not present in population databases (gnomAD no frequency). This sequence change replaces glycine, which is neutral and non-polar, with alanine, which is neutral and non-polar, at codon 823 of the RAI1 protein (p.Gly823Ala).